The following is an entry in ClinVar:

ClinVar aggregate classification (germline): Pathogenic. Review status: reviewed by expert panel (3 of 4 stars). 2 submissions from 2 submitters: Pathogenic (1). 1 of the submissions does not count toward it. Last evaluated 2017-12-15.

Conditions:
Breast-ovarian cancer, familial, susceptibility to, 1 (BROVCA1). Also called: BRCA1 Hereditary Breast and Ovarian Cancer; OVARIAN CANCER, SUSCEPTIBILITY TO. Identifiers: Orphanet 145, MedGen C2676676, MONDO:0011450, OMIM 604370. Disease mechanism: loss of function.
Hereditary cancer-predisposing syndrome. Also called: Tumor predisposition; Hereditary Cancer Syndrome; Neoplastic Syndromes, Hereditary; Hereditary neoplastic syndrome. Identifiers: Orphanet 140162, MedGen C0027672, MeSH D009386, MONDO:0015356.

Submissions (2):

Evidence-based Network for the Interpretation of Germline Mutant Alleles (ENIGMA)
Classification: Pathogenic for Breast-ovarian cancer, familial, susceptibility to, 1. Last evaluated: 2017-12-15. Review status: reviewed by expert panel. Criteria: ENIGMA BRCA1/2 Classification Criteria (2017-06-29). Collection method: curation. Allele origin: germline. Study: ENIGMA.
Comment: Variant allele predicted to encode a truncated non-functional protein.

Ambry Genetics
Classification: Pathogenic for Hereditary cancer-predisposing syndrome. Last evaluated: 2023-11-27. Review status: criteria provided, single submitter. Criteria: Ambry Variant Classification Scheme 2023. Collection method: clinical testing. Allele origin: germline. Not counted in ClinVar's aggregate classification.
Comment: The c.2289delT pathogenic mutation, located in coding exon 9 of the BRCA1 gene, results from a deletion of one nucleotide at nucleotide position 2289, causing a translational frameshift with a predicted alternate stop codon (p.S763Sfs*2). This variant is considered to be rare based on population cohorts in the Genome Aggregation Database (gnomAD). This alteration is expected to result in loss of function by premature protein truncation or nonsense-mediated mRNA decay. As such, this alteration is interpreted as a disease-causing mutation.

NM_007294.4(BRCA1):c.2289del (p.Ser763_Val764insTer)

Gene: BRCA1 (BRCA1 DNA repair associated; minus strand). Cytogenetic location: 17q21.31.
Variant type: Deletion.
Coding change: c.2289del on transcript NM_007294.4 (MANE Select); coding-DNA position 2289, one base deleted (T; older notation c.2289delT).
Protein change: p.Ser763_Val764insTer.
Molecular consequence: frameshift variant. On other transcripts: intron variant (137).
Genome position (GRCh38, 1-based): chr17:43,093,242, A deleted on the plus strand (T on the coding strand, the reverse complement: BRCA1 is on the minus strand). VCF-style (leftmost placement, unchanged base first): chr17-43093241-CA-C. GRCh37 (hg19) VCF-style: chr17-41245258-CA-C.
Other names: c.784+1502del (NM_001407992.1, NM_001408400.1, NM_001408392.1 and 13 more transcripts); c.664+1502del (NM_001408440.1, NM_001408428.1, NM_001408441.1 and 12 more transcripts); c.671-2210del (NM_001408418.1, NM_001408423.1, NM_001408420.1 and 2 more transcripts); c.787+1502del (NM_001407981.1, NM_007298.4, NM_001407978.1 and 17 more transcripts); c.643+1502del (NM_001408462.1, NM_001408470.1, NM_001408464.1 and 3 more transcripts); c.709+1502del (NM_001408414.1, NM_001408411.1, NM_001408415.1 and 2 more transcripts); c.577+1502del (NM_001408514.1, NM_001408485.1, NM_001408483.1 and 9 more transcripts); c.661+1502del (NM_001408447.1, NM_001408433.1, NM_001408446.1 and 6 more transcripts); and 41 more.
Identifiers: ClinVar variation 230816 (VCV000230816.6), dbSNP rs876658791, ClinGen allele CA10580623.